The following is an entry in ClinVar:

NM_001375834.1(WIPF1):c.668C>G (p.Pro223Arg)

Gene: WIPF1 (WAS/WASL interacting protein family member 1; minus strand). Cytogenetic location: 2q31.1.
Variant type: single nucleotide variant.
Coding change: c.668C>G on transcript NM_001375834.1 (MANE Select); coding-DNA position 668, C replaced by G.
Protein change: p.Pro223Arg; replaces proline 223 with arginine.
Molecular consequence: missense variant.
Genome position (GRCh38, 1-based): chr2:174,572,137, G>C on the plus strand (C>G on the coding strand, the complement: WIPF1 is on the minus strand). VCF-style: chr2-174572137-G-C. GRCh37 (hg19) VCF-style: chr2-175436865-G-C.
Other names: c.668C>G, p.Pro223Arg (NM_001077269.1, NM_001375832.1, NM_001375833.1 and 5 more transcripts); c.290C>G, p.Pro97Arg (NM_001375839.1); short protein forms P223R, P97R.
Identifiers: ClinVar variation 1059501 (VCV001059501.7), dbSNP rs2105807046, ClinGen allele CA349342245.

ClinVar aggregate classification (germline): Uncertain significance (1 of 4 stars; one submission).

Conditions:
Wiskott-Aldrich syndrome 2 (WAS2). Also called: WIPF1 DEFICIENCY. Identifiers: Orphanet 906, MedGen C3281001, MONDO:0013779, OMIM 614493.

gnomAD v4.1: 1 of 1,611,770 alleles (0.000062%); highest among the groups gnomAD compares: Non-Finnish European, 0.000085%; no homozygotes.

Submission:

Labcorp Genetics (formerly Invitae), Labcorp
Classification: Uncertain significance for Wiskott-Aldrich syndrome 2. Last evaluated: 2020-09-03. Review status: criteria provided, single submitter. Criteria: Invitae Variant Classification Sherloc (09022015). Collection method: clinical testing. Allele origin: germline.
Comment: This sequence change replaces proline with arginine at codon 223 of the WIPF1 protein (p.Pro223Arg). The proline residue is highly conserved and there is a moderate physicochemical difference between proline and arginine. This variant is not present in population databases (ExAC no frequency). This variant has not been reported in the literature in individuals with WIPF1-related conditions. Algorithms developed to predict the effect of missense changes on protein structure and function are either unavailable or do not agree on the potential impact of this missense change (SIFT: "Not Available"; PolyPhen-2: "Probably Damaging"; Align-GVGD: "Not Available"). In summary, the available evidence is currently insufficient to determine the role of this variant in disease. Therefore, it has been classified as a Variant of Uncertain Significance.